The following is an entry in ClinVar:

NM_001999.4(FBN2):c.7594+231T>A

Gene: FBN2 (fibrillin 2; minus strand). Cytogenetic location: 5q23.3.
Variant type: single nucleotide variant.
Coding change: c.7594+231T>A on transcript NM_001999.4 (MANE Select); 231 bases into the intron after coding-DNA position 7594, T replaced by A.
Molecular consequence: intron variant.
Genome position (GRCh38, 1-based): chr5:128,275,807, A>T on the plus strand (T>A on the coding strand, the complement: FBN2 is on the minus strand). VCF-style: chr5-128275807-A-T. GRCh37 (hg19) VCF-style: chr5-127611499-A-T.
Identifiers: ClinVar variation 678490 (VCV000678490.1), dbSNP rs1428633, ClinGen allele CA12173022.

ClinVar aggregate classification (germline): Benign (1 of 4 stars; one submission).

Allele frequency attached by ClinVar (database versions not stated): 1000 Genomes Project 0.15076; TOPMed 0.15333; 1000 Genomes Project 30x 0.15412; gnomAD 0.15487 and 0.15752.
gnomAD v4.1: 23,947 of 152,014 alleles (16%); highest among the groups gnomAD compares: Admixed American, 25%; 2,258 homozygotes.

Submission:

GeneDx
Classification: Benign. Last evaluated: 2018-06-16. Review status: criteria provided, single submitter. Criteria: GeneDx Variant Classification (06012015). Collection method: clinical testing. Allele origin: germline. Affected: yes.
Comment: This variant is considered likely benign or benign based on one or more of the following criteria: it is a conservative change, it occurs at a poorly conserved position in the protein, it is predicted to be benign by multiple in silico algorithms, and/or has population frequency not consistent with disease.